The following is an entry in ClinVar:

ClinVar aggregate classification (germline): Pathogenic (1 of 4 stars; one submission).

Submission:

Labcorp Genetics (formerly Invitae), Labcorp
Classification: Pathogenic. Last evaluated: 2022-10-16. Review status: criteria provided, single submitter. Criteria: Invitae Variant Classification Sherloc (09022015). Collection method: clinical testing. Allele origin: germline.
Comment: This variant disrupts a region of the FZD4 protein in which other variant(s) (p.Gln505*) have been determined to be pathogenic (PMID: 15223780, 23077402). This suggests that this is a clinically significant region of the protein, and that variants that disrupt it are likely to be disease-causing. For these reasons, this variant has been classified as Pathogenic. This variant has not been reported in the literature in individuals affected with FZD4-related conditions. This variant is not present in population databases (gnomAD no frequency). This sequence change creates a premature translational stop signal (p.His69Argfs*55) in the FZD4 gene. While this is not anticipated to result in nonsense mediated decay, it is expected to disrupt the last 469 amino acid(s) of the FZD4 protein.

Literature cited by the submitters: PubMed 15223780; PubMed 23077402.

NM_012193.4(FZD4):c.204_220del (p.His69fs)

Gene: FZD4 (frizzled class receptor 4; minus strand). Cytogenetic location: 11q14.2.
Variant type: Deletion.
Coding change: c.204_220del on transcript NM_012193.4 (MANE Select); coding-DNA positions 204 to 220, 17 bases deleted (GCACGAGCTGCAGACGG).
Protein change: p.His69fs; shifts the reading frame from histidine 69.
Molecular consequence: frameshift variant.
Genome position (GRCh38, 1-based): chr11:86,954,866-86,954,882, CCGTCTGCAGCTCGTGC deleted on the plus strand (GCACGAGCTGCAGACGG on the coding strand, the reverse complement: FZD4 is on the minus strand); deleting any 17 consecutive bases within chr11:86,954,866-86,954,884 gives the same sequence; the c. name uses the placement nearest the transcript's 3' end. VCF-style (leftmost placement, unchanged base first): chr11-86954865-TCCGTCTGCAGCTCGTGC-T. GRCh37 (hg19) VCF-style: chr11-86665907-TCCGTCTGCAGCTCGTGC-T.
Other names: short protein forms H69fs.
Identifiers: ClinVar variation 2808667 (VCV002808667.3), dbSNP rs2495874143, ClinGen allele CA2739270728.